The following is an entry in ClinVar:

ClinVar aggregate classification (germline): Likely pathogenic. Review status: criteria provided, multiple submitters, no conflicts (2 of 4 stars). 3 submissions from 3 submitters: Likely pathogenic (2). 1 of the submissions does not count toward it. Last evaluated 2025-10-08.

Conditions:
TSC2-related disorder. Also called: TSC2-Related Disorders; TSC2-related condition.
Tuberous sclerosis syndrome (TSC). Also called: Tuberous Sclerosis Complex; Tuberous sclerosis. Identifiers: Orphanet 805, MedGen C0041341, MONDO:0001734.
Tuberous sclerosis 2 (TSC2). Identifiers: Orphanet 805, MedGen C1860707, MONDO:0013199, OMIM 613254.

Submissions (3):

Labcorp Genetics (formerly Invitae), Labcorp
Classification: Likely pathogenic for Tuberous sclerosis 2. Last evaluated: 2025-10-08. Review status: criteria provided, single submitter. Criteria: Invitae Variant Classification Sherloc (09022015). Collection method: clinical testing. Allele origin: germline.
Comment: This sequence change replaces glutamic acid, which is acidic and polar, with lysine, which is basic and polar, at codon 814 of the TSC2 protein (p.Glu814Lys). This variant is not present in population databases (gnomAD no frequency). This missense change has been observed in individual(s) with tuberous sclerosis complex (PMID: 11112665; internal data). In at least one individual the variant was observed to be de novo. ClinVar contains an entry for this variant (Variation ID: 49209). Invitae Evidence Modeling of protein sequence and biophysical properties (such as structural, functional, and spatial information, amino acid conservation, physicochemical variation, residue mobility, and thermodynamic stability) has been performed for this missense variant. However, the output from this modeling did not meet the statistical confidence thresholds required to predict the impact of this variant on TSC2 protein function. In summary, the currently available evidence indicates that the variant is pathogenic, but additional data are needed to prove that conclusively. Therefore, this variant has been classified as Likely Pathogenic.

Blueprint Genetics
Classification: Likely pathogenic for TSC2-related disorders. Last evaluated: 2024-03-18. Review status: criteria provided, single submitter. Criteria: ACMG Guidelines, 2015. Collection method: clinical testing. Allele origin: germline. Affected: yes. Observed: 1 variant allele.

Tuberous sclerosis database (TSC2)
No classification provided. Condition: TSC. Review status: no classification provided. Criteria: Tuberous Sclerosis Database Assertion Criteria 2015. Collection method: curation. Allele origin: germline. Affected: yes. Not counted in ClinVar's aggregate classification.

Literature cited by the submitters: PubMed 11112665 (cited by Labcorp Genetics (formerly Invitae), Labcorp).

NM_000548.5(TSC2):c.2440G>A (p.Glu814Lys)

Gene: TSC2 (TSC complex subunit 2; plus strand). Cytogenetic location: 16p13.3.
Variant type: single nucleotide variant.
Coding change: c.2440G>A on transcript NM_000548.5 (MANE Select); coding-DNA position 2440, G replaced by A.
Protein change: p.Glu814Lys; replaces glutamic acid 814 with lysine.
Molecular consequence: missense variant.
Genome position (GRCh38, 1-based): chr16:2,074,284, G>A. VCF-style: chr16-2074284-G-A. GRCh37 (hg19) VCF-style: chr16-2124285-G-A.
Other names: c.2440G>A, p.Glu814Lys (NM_001077183.3, NM_001114382.3, NM_001363528.2 and 3 more transcripts); c.2329G>A, p.Glu777Lys (NM_001318827.2); c.2293G>A, p.Glu765Lys (NM_001318829.2); c.1840G>A, p.Glu614Lys (NM_001318831.2); c.2473G>A, p.Glu825Lys (NM_001318832.2); short protein forms E814K, E614K, E825K, E765K, E777K.
Identifiers: ClinVar variation 49209 (VCV000049209.4), dbSNP rs45485395, ClinGen allele CA017424.